The following is an entry in ClinVar:

ClinVar aggregate classification (germline): Uncertain significance (0 of 4 stars; one submission).

Conditions:
Autism spectrum disorder. Also called: Autism spectrum disorders. Identifiers: MedGen C1510586, MeSH D000067877, MONDO:0005258.

Allele frequency attached by ClinVar (database versions not stated): gnomAD exomes 0.07143; 1000 Genomes Project 30x 0.16911; 1000 Genomes Project 0.17252; TOPMed 0.21220.

Submission:

Gene Friend Way, National Innovation Center
Classification: Uncertain significance for Autism spectrum disorder. Last evaluated: 2023-07-28. Review status: no assertion criteria provided. Collection method: clinical testing. Allele origin: unknown. Affected: yes and no. Observed: 24 variant alleles.
Comment: rs2814707 associated with ALS risk. ALS is a neurodegenerative disorder that can lead to fatal paralysis (PMID 20801717). In our study, 23 out of 250 children diagnosed with autism spectrum disorder are also heterozygotes for rs2814707. However, the frequency of this T allele is also very high in the Vietnamese population (around 10% in our studies). Therefore, this variant is classified as VUS.

NC_000009.12:g.27536399C>T

Gene: C9orf72 (C9orf72-SMCR8 complex subunit; minus strand). Cytogenetic location: 9p21.2.
Variant type: single nucleotide variant.
Genome position: GRCh38 VCF-style: chr9-27536399-C-T. GRCh37 (hg19) VCF-style: chr9-27536397-C-T.
Identifiers: ClinVar variation 2572602 (VCV002572602.3), dbSNP rs2814707, ClinGen allele CA15594296.